The following is an entry in ClinVar:

NM_032737.4(LMNB2):c.753G>C (p.Glu251Asp)

Gene: LMNB2 (lamin B2; minus strand). Cytogenetic location: 19p13.3.
Variant type: single nucleotide variant.
Coding change: c.753G>C on transcript NM_032737.4 (MANE Select); coding-DNA position 753, G replaced by C.
Protein change: p.Glu251Asp; replaces glutamic acid 251 with aspartic acid.
Molecular consequence: missense variant.
Genome position (GRCh38, 1-based): chr19:2,435,103, C>G on the plus strand (G>C on the coding strand, the complement: LMNB2 is on the minus strand). VCF-style: chr19-2435103-C-G. GRCh37 (hg19) VCF-style: chr19-2435101-C-G.
Other names: short protein forms E251D.
Identifiers: ClinVar variation 3867514 (VCV003867514.2).

ClinVar aggregate classification (germline): Uncertain significance. Review status: criteria provided, multiple submitters, no conflicts (2 of 4 stars). 2 submissions from 2 submitters: Uncertain significance (2). Last evaluated 2025-03-29.

Conditions:
Progressive myoclonic epilepsy type 9. Identifiers: Orphanet 457265, MedGen C4225289, MONDO:0014685, OMIM 616540.
Lipodystrophy, partial, acquired, susceptibility to (APLD). Also called: APLD, SUSCEPTIBILITY TO. Identifiers: MedGen C3887501, MONDO:0100476, OMIM 608709.

gnomAD v4.1: 13 of 1,609,432 alleles (0.00081%); highest among the groups gnomAD compares: Non-Finnish European, 0.0011%; no homozygotes.

Submissions (2):

Labcorp Genetics (formerly Invitae), Labcorp
Classification: Uncertain significance for Progressive myoclonic epilepsy type 9; Lipodystrophy, partial, acquired, susceptibility to. Last evaluated: 2025-03-29. Review status: criteria provided, single submitter. Criteria: Invitae Variant Classification Sherloc (09022015). Collection method: clinical testing. Allele origin: germline.
Comment: This sequence change replaces glutamic acid, which is acidic and polar, with aspartic acid, which is acidic and polar, at codon 251 of the LMNB2 protein (p.Glu251Asp). This variant is present in population databases (rs372552710, gnomAD 0.002%). This variant has not been reported in the literature in individuals affected with LMNB2-related conditions. Invitae Evidence Modeling of protein sequence and biophysical properties (such as structural, functional, and spatial information, amino acid conservation, physicochemical variation, residue mobility, and thermodynamic stability) indicates that this missense variant is not expected to disrupt LMNB2 protein function with a negative predictive value of 80%. In summary, the available evidence is currently insufficient to determine the role of this variant in disease. Therefore, it has been classified as a Variant of Uncertain Significance.

Ambry Genetics
Classification: Uncertain significance. Last evaluated: 2025-01-07. Review status: criteria provided, single submitter. Criteria: Ambry Variant Classification Scheme 2023. Collection method: clinical testing. Allele origin: germline.